The following is an entry in ClinVar:

ClinVar aggregate classification (germline): Uncertain significance (1 of 4 stars; one submission).

gnomAD v4.1: 12 of 1,613,186 alleles (0.00074%); highest among the groups gnomAD compares: Admixed American, 0.0067%; no homozygotes.

Submission:

Labcorp Genetics (formerly Invitae), Labcorp
Classification: Uncertain significance. Last evaluated: 2025-03-22. Review status: criteria provided, single submitter. Criteria: Invitae Variant Classification Sherloc (09022015). Collection method: clinical testing. Allele origin: germline.
Comment: This sequence change replaces arginine, which is basic and polar, with proline, which is neutral and non-polar, at codon 511 of the PTH1R protein (p.Arg511Pro). This variant is present in population databases (no rsID available, gnomAD 0.01%). This variant has not been reported in the literature in individuals affected with PTH1R-related conditions. ClinVar contains an entry for this variant (Variation ID: 2898550). Invitae Evidence Modeling of protein sequence and biophysical properties (such as structural, functional, and spatial information, amino acid conservation, physicochemical variation, residue mobility, and thermodynamic stability) indicates that this missense variant is not expected to disrupt PTH1R protein function with a negative predictive value of 80%. In summary, the available evidence is currently insufficient to determine the role of this variant in disease. Therefore, it has been classified as a Variant of Uncertain Significance.

NM_000316.3(PTH1R):c.1532G>C (p.Arg511Pro)

Gene: PTH1R (parathyroid hormone 1 receptor; plus strand). Cytogenetic location: 3p21.31.
Variant type: single nucleotide variant.
Coding change: c.1532G>C on transcript NM_000316.3 (MANE Select); coding-DNA position 1532, G replaced by C.
Protein change: p.Arg511Pro; replaces arginine 511 with proline.
Molecular consequence: missense variant.
Genome position (GRCh38, 1-based): chr3:46,903,406, G>C. VCF-style: chr3-46903406-G-C. GRCh37 (hg19) VCF-style: chr3-46944896-G-C.
Other names: c.1532G>C, p.Arg511Pro (NM_001184744.1); short protein forms R511P.
Identifiers: ClinVar variation 2898550 (VCV002898550.3), dbSNP rs201315349, ClinGen allele CA73773017.
Genomic context (GRCh38, chr3:46,903,406, plus strand): 5'-GCAGCAGCTATAGCTACGGCCCCATGGTGTCCCACACAAGTGTGACCAATGTCGGCCCCC[G>C]TGTGGGACTCGGCCTGCCCCTCAGCCCCCGCCTACTGCCCACTGCCACCACCAACGGCCA-3'
Protein context (NP_000307.1, residues 501-521): SHTSVTNVGP[Arg511Pro]VGLGLPLSPR